The following is an entry in ClinVar:

NM_001846.4(COL4A2):c.579T>C (p.Gly193=)

Gene: COL4A2 (collagen type IV alpha 2 chain; plus strand). Cytogenetic location: 13q34.
Variant type: single nucleotide variant.
Coding change: c.579T>C on transcript NM_001846.4 (MANE Select); coding-DNA position 579, T replaced by C.
Protein change: p.Gly193=; no amino-acid change (glycine 193 retained).
Molecular consequence: synonymous variant.
Genome position (GRCh38, 1-based): chr13:110,430,430, T>C. VCF-style: chr13-110430430-T-C. GRCh37 (hg19) VCF-style: chr13-111082777-T-C.
Other names: c.579T>C (NM_001846.3).
Identifiers: ClinVar variation 2957077 (VCV002957077.5), dbSNP rs562071212, ClinGen allele CA7048965.
Genomic context (GRCh38, chr13:110,430,430, plus strand): 5'-ATCACTCTTAAAATTATTTCTTCTCCATTAGGGTGAACCTGGAGAGCCTGGATTGGTCGG[T>C]TTCCAGGTAAGTTTATTTTTATTGGACGATATTCCAAACAAAAGTTTAAGAGCTTCAGAA-3'
Protein context (NP_001837.2, residues 183-203): RGEPGEPGLV[Gly193=]FQGPPGRPGH

ClinVar aggregate classification (germline): Likely benign. Review status: criteria provided, single submitter (1 of 4 stars). 2 submissions from 2 submitters: Likely benign (1). 1 of the submissions does not count toward it. Last evaluated 2022-12-21.

Conditions:
COL4A2-related disorder. Also called: COL4A2-related disorders; COL4A2-related condition.

Allele frequency attached by ClinVar (database versions not stated): gnomAD exomes below 0.00001; ExAC 0.00001; gnomAD 0.00002; 1000 Genomes Project 0.00020; 1000 Genomes Project 30x 0.00031.
gnomAD v4.1: 7 of 1,614,154 alleles (0.00043%); highest among the groups gnomAD compares: East Asian, 0.0067%; no homozygotes.

Submissions (2):

Labcorp Genetics (formerly Invitae), Labcorp
Classification: Likely benign. Last evaluated: 2022-12-21. Review status: criteria provided, single submitter. Criteria: Invitae Variant Classification Sherloc (09022015). Collection method: clinical testing. Allele origin: germline.

PreventionGenetics, part of Exact Sciences
Classification: Likely benign for COL4A2-related condition. Last evaluated: 2022-11-30. Review status: no assertion criteria provided. Collection method: clinical testing. Allele origin: germline. Not counted in ClinVar's aggregate classification.
Comment: This variant is classified as likely benign based on ACMG/AMP sequence variant interpretation guidelines (Richards et al. 2015 PMID: 25741868, with internal and published modifications).